The following is an entry in ClinVar:

NM_031844.3(HNRNPU):c.804-9_804-6del

Gene: HNRNPU (heterogeneous nuclear ribonucleoprotein U; minus strand). Cytogenetic location: 1q44.
Variant type: Deletion.
Coding change: c.804-9_804-6del on transcript NM_031844.3 (MANE Select); 9 bases into the intron before coding-DNA position 804 through 6 bases into the intron before coding-DNA position 804, 4 bases deleted (GTCT; older notation c.804-9_804-6delGTCT).
Molecular consequence: intron variant.
Genome position (GRCh38, 1-based): chr1:244,862,540-244,862,543, AGAC deleted on the plus strand (GTCT on the coding strand, the reverse complement: HNRNPU is on the minus strand); deleting any 4 consecutive bases within chr1:244,862,540-244,862,546 gives the same sequence; the c. name uses the placement nearest the transcript's 3' end. VCF-style (leftmost placement, unchanged base first): chr1-244862539-AAGAC-A. GRCh37 (hg19) VCF-style: chr1-245025841-AAGAC-A.
Other names: c.747-9_747-6del (NM_004501.3).
Identifiers: ClinVar variation 1685882 (VCV001685882.7), dbSNP rs2102989400, ClinGen allele CA2573132979.

ClinVar aggregate classification (germline): Pathogenic. Review status: criteria provided, multiple submitters, no conflicts (2 of 4 stars). 3 submissions from 3 submitters: Pathogenic (3). Last evaluated 2025-01-30.

Conditions:
Developmental and epileptic encephalopathy, 54. Also called: Epileptic encephalopathy, early infantile, 54; HNRNPU-Related Neurodevelopmental Disorder. Identifiers: MedGen C4479319, MONDO:0033363, OMIM 617391.

Submissions (3):

GeneDx
Classification: Pathogenic. Last evaluated: 2025-01-30. Review status: criteria provided, single submitter. Criteria: GeneDx Variant Classification Process June 2021. Collection method: clinical testing. Allele origin: germline. Affected: yes.
Comment: Not observed at significant frequency in large population cohorts (gnomAD); In silico analysis supports a deleterious effect on splicing; This variant is associated with the following publications: (PMID: 35138025)

Labcorp Genetics (formerly Invitae), Labcorp
Classification: Pathogenic for Developmental and epileptic encephalopathy, 54. Last evaluated: 2024-04-01. Review status: criteria provided, single submitter. Criteria: Invitae Variant Classification Sherloc (09022015). Collection method: clinical testing. Allele origin: germline.
Comment: This sequence change falls in intron 2 of the HNRNPU gene. It does not directly change the encoded amino acid sequence of the HNRNPU protein. This variant is not present in population databases (gnomAD no frequency). This variant has been observed in individual(s) with clinical features of autosomal dominant developmental and epileptic encephalopathy (PMID: 35138025; Invitae). In at least one individual the variant was observed to be de novo. ClinVar contains an entry for this variant (Variation ID: 1685882). Algorithms developed to predict the effect of sequence changes on RNA splicing suggest that this variant may disrupt the consensus splice site. For these reasons, this variant has been classified as Pathogenic.

Mendelics
Classification: Pathogenic for Developmental and epileptic encephalopathy, 54. Last evaluated: 2022-05-04. Review status: criteria provided, single submitter. Criteria: Mendelics Assertion Criteria 2019. Collection method: clinical testing. Allele origin: germline.

Literature cited by the submitters: PubMed 35138025 (cited by Labcorp Genetics (formerly Invitae), Labcorp).